The following is an entry in ClinVar:

ClinVar aggregate classification (germline): Pathogenic (1 of 4 stars; one submission).

Submission:

Labcorp Genetics (formerly Invitae), Labcorp
Classification: Pathogenic. Last evaluated: 2022-08-07. Review status: criteria provided, single submitter. Criteria: Invitae Variant Classification Sherloc (09022015). Collection method: clinical testing. Allele origin: germline.
Comment: This sequence change creates a premature translational stop signal (p.Ser203Phefs*5) in the POC1B gene. It is expected to result in an absent or disrupted protein product. Loss-of-function variants in POC1B are known to be pathogenic (PMID: 25018096, 29220607). This variant is present in population databases (no rsID available, gnomAD no frequency). This variant has not been reported in the literature in individuals affected with POC1B-related conditions. Algorithms developed to predict the effect of sequence changes on RNA splicing suggest that this variant may disrupt the consensus splice site. For these reasons, this variant has been classified as Pathogenic.

Literature cited by the submitters: PubMed 25018096; PubMed 29220607.

NM_172240.3(POC1B):c.607dup (p.Ser203fs)

Genes: POC1B (POC1 centriolar protein B; minus strand), POC1B-DUSP6 (POC1B-DUSP6 readthrough; minus strand). Cytogenetic location: 12q21.33.
Variant type: Duplication.
Coding change: c.607dup on transcript NM_172240.3 (MANE Select); coding-DNA position 607, one base duplicated (T; older notation c.607dupT).
Protein change: p.Ser203fs; shifts the reading frame from serine 203.
Molecular consequence: frameshift variant. On other transcripts: non-coding transcript variant (2).
Genome position (GRCh38, 1-based): chr12:89,471,683, A duplicated on the plus strand (T on the coding strand, the reverse complement: POC1B is on the minus strand); the first of 2 consecutive A bases (chr12:89,471,683-89,471,684); duplicating either gives the same sequence. VCF-style (leftmost placement, unchanged base first): chr12-89471682-G-GA. GRCh37 (hg19) VCF-style: chr12-89865459-G-GA.
Other names: c.481dup, p.Ser161fs (NM_001199777.2); short protein forms S161fs, S203fs.
Identifiers: ClinVar variation 1963710 (VCV001963710.5), dbSNP rs1440795111, ClinGen allele CA606457385.